The following is an entry in ClinVar:

NM_002470.4(MYH3):c.2814G>A (p.Thr938=)

Gene: MYH3 (myosin heavy chain 3; minus strand). Cytogenetic location: 17p13.1.
Variant type: single nucleotide variant.
Coding change: c.2814G>A on transcript NM_002470.4 (MANE Select); coding-DNA position 2814, G replaced by A.
Protein change: p.Thr938=; no amino-acid change (threonine 938 retained).
Molecular consequence: synonymous variant.
Genome position (GRCh38, 1-based): chr17:10,639,671, C>T on the plus strand (G>A on the coding strand, the complement: MYH3 is on the minus strand). VCF-style: chr17-10639671-C-T. GRCh37 (hg19) VCF-style: chr17-10542988-C-T.
Identifiers: ClinVar variation 707608 (VCV000707608.12), dbSNP rs147794576, ClinGen allele CA8392671.

ClinVar aggregate classification (germline): Likely benign. Review status: criteria provided, multiple submitters, no conflicts (2 of 4 stars). 3 submissions from 3 submitters: Likely benign (2). 1 of the submissions does not count toward it. Last evaluated 2026-01-05.

Conditions:
MYH3-related disorder. Also called: MYH3-related condition; MYH3-Related Disorders. Identifiers: MedGen CN239329.

Allele frequency attached by ClinVar (database versions not stated): ExAC 0.00023; gnomAD exomes 0.00029 and 0.00034; 1000 Genomes Project 30x 0.00031; gnomAD 0.00033 and 0.00036; 1000 Genomes Project 0.00040; TOPMed 0.00041; ESP Exome Variant Server 0.00046.
gnomAD v4.1: 548 of 1,613,982 alleles (0.034%); highest among the groups gnomAD compares: Non-Finnish European, 0.041%; no homozygotes.

Submissions (3):

Labcorp Genetics (formerly Invitae), Labcorp
Classification: Likely benign. Last evaluated: 2026-01-05. Review status: criteria provided, single submitter. Criteria: Invitae Variant Classification Sherloc (09022015). Collection method: clinical testing. Allele origin: germline.

Blueprint Genetics
Classification: Likely benign. Last evaluated: 2024-11-26. Review status: criteria provided, single submitter. Criteria: ACMG Guidelines, 2015. Collection method: clinical testing. Allele origin: germline.

PreventionGenetics, part of Exact Sciences
Classification: Likely benign for MYH3-related condition. Last evaluated: 2021-09-14. Review status: no assertion criteria provided. Collection method: clinical testing. Allele origin: germline. Not counted in ClinVar's aggregate classification.
Comment: This variant is classified as likely benign based on ACMG/AMP sequence variant interpretation guidelines (Richards et al. 2015 PMID: 25741868, with internal and published modifications).